The following is an entry in ClinVar:

NM_000053.4(ATP7B):c.3426G>T (p.Gln1142His)

Gene: ATP7B (ATPase copper transporting beta; minus strand). Cytogenetic location: 13q14.3.
Variant type: single nucleotide variant.
Coding change: c.3426G>T on transcript NM_000053.4 (MANE Select); coding-DNA position 3426, G replaced by T.
Protein change: p.Gln1142His; replaces glutamine 1142 with histidine.
Molecular consequence: missense variant. On other transcripts: intron variant (2).
Genome position (GRCh38, 1-based): chr13:51,941,211, C>A on the plus strand (G>T on the coding strand, the complement: ATP7B is on the minus strand). VCF-style: chr13-51941211-C-A. GRCh37 (hg19) VCF-style: chr13-52515347-C-A.
Other names: c.2805G>T, p.Gln935His (NM_001005918.3); c.3093G>T, p.Gln1031His (NM_001243182.2); c.3192G>T, p.Gln1064His (NM_001330578.2, NM_001406527.1, NM_001406528.1); c.3174G>T, p.Gln1058His (NM_001330579.2, NM_001406531.1, NM_001406532.1); c.3426G>T, p.Gln1142His (NM_001406511.1, NM_001406512.1, NM_001406526.1); c.3420G>T, p.Gln1140His (NM_001406513.1); c.3393G>T, p.Gln1131His (NM_001406514.1); c.3372G>T, p.Gln1124His (NM_001406515.1, NM_001406516.1); and 20 more; short protein forms Q1029H, Q1031H, Q1032H, Q1046H, Q1058H, Q1062H, Q1064H, Q1077H.
Identifiers: ClinVar variation 3387476 (VCV003387476.1).

ClinVar aggregate classification (germline): Uncertain significance (1 of 4 stars; one submission).

Conditions:
Wilson disease (WND). Also called: Wilson's disease. Identifiers: Orphanet 905, MedGen C0019202, MONDO:0010200, OMIM 277900. Disease mechanism: loss of function.

Submission:

All of Us Research Program, National Institutes of Health
Classification: Uncertain significance for Wilson disease. Last evaluated: 2024-06-09. Review status: criteria provided, single submitter. Criteria: ACMG Guidelines, 2015. Collection method: clinical testing. Allele origin: germline. Inheritance: Autosomal recessive inheritance. Observed: 1 variant allele, 1 heterozygote.
Comment: This missense variant replaces glutamine with histidine at codon 1142 of the ATP7B protein. Computational prediction is inconclusive regarding the impact of this variant on protein structure and function. To our knowledge, functional studies have not been reported for this variant. This variant has not been reported in individuals affected with ATP7B-related disorders in the literature. This variant has not been identified in the general population by the Genome Aggregation Database (gnomAD). The available evidence is insufficient to determine the role of this variant in disease conclusively. Therefore, this variant is classified as a Variant of Uncertain Significance.

This study involves interpretation of variants in research participants for the purpose of population health screening. Participant phenotype was not available at the time of variant classification. Additional details can be found in publication PMID: 35346344, PMCID: PMC8962531